The following is an entry in ClinVar:

ClinVar aggregate classification (germline): Uncertain significance (1 of 4 stars; one submission).

Submission:

Labcorp Genetics (formerly Invitae), Labcorp
Classification: Uncertain significance. Last evaluated: 2022-12-23. Review status: criteria provided, single submitter. Criteria: Invitae Variant Classification Sherloc (09022015). Collection method: clinical testing. Allele origin: germline.
Comment: This sequence change replaces arginine, which is basic and polar, with proline, which is neutral and non-polar, at codon 1578 of the ABCC8 protein (p.Arg1578Pro). This variant is not present in population databases (gnomAD no frequency). This variant has not been reported in the literature in individuals affected with ABCC8-related conditions. Advanced modeling of protein sequence and biophysical properties (such as structural, functional, and spatial information, amino acid conservation, physicochemical variation, residue mobility, and thermodynamic stability) has been performed at Invitae for this missense variant, however the output from this modeling did not meet the statistical confidence thresholds required to predict the impact of this variant on ABCC8 protein function. In summary, the available evidence is currently insufficient to determine the role of this variant in disease. Therefore, it has been classified as a Variant of Uncertain Significance.

NM_000352.6(ABCC8):c.4733G>C (p.Arg1578Pro)

Gene: ABCC8 (ATP binding cassette subfamily C member 8; minus strand). Cytogenetic location: 11p15.1.
Variant type: single nucleotide variant.
Coding change: c.4733G>C on transcript NM_000352.6 (MANE Select); coding-DNA position 4733, G replaced by C.
Protein change: p.Arg1578Pro; replaces arginine 1578 with proline.
Molecular consequence: missense variant. On other transcripts: non-coding transcript variant (1).
Genome position (GRCh38, 1-based): chr11:17,393,004, C>G on the plus strand (G>C on the coding strand, the complement: ABCC8 is on the minus strand). VCF-style: chr11-17393004-C-G. GRCh37 (hg19) VCF-style: chr11-17414551-C-G.
Other names: c.4736G>C, p.Arg1579Pro (NM_001287174.3); c.4799G>C, p.Arg1600Pro (NM_001351295.2); c.4733G>C, p.Arg1578Pro (NM_001351296.2); c.4730G>C, p.Arg1577Pro (NM_001351297.2); short protein forms R1600P, R1577P, R1578P, R1579P.
Identifiers: ClinVar variation 2812639 (VCV002812639.3), dbSNP rs143557848, ClinGen allele CA379780539.